The following is an entry in ClinVar:

ClinVar aggregate classification (germline): Uncertain significance. Review status: criteria provided, multiple submitters, no conflicts (2 of 4 stars). 2 submissions from 2 submitters: Uncertain significance (2). Last evaluated 2024-05-04.

Conditions:
Hereditary cancer-predisposing syndrome. Also called: Neoplastic Syndromes, Hereditary; Hereditary Cancer Syndrome; Hereditary neoplastic syndrome; Tumor predisposition. Identifiers: Orphanet 140162, MedGen C0027672, MeSH D009386, MONDO:0015356.
Oligodontia-cancer predisposition syndrome. Also called: TOOTH AGENESIS-COLORECTAL CANCER SYNDROME. Identifiers: Orphanet 300576, MedGen C1837750, MONDO:0012075, OMIM 608615. Disease mechanism: loss of function.

Allele frequency attached by ClinVar (database versions not stated): gnomAD 0.00001.
gnomAD v4.1: 1 of 1,608,250 alleles (0.000062%); highest among the groups gnomAD compares: African/African-American, 0.0013%; no homozygotes.

Submissions (2):

Ambry Genetics
Classification: Uncertain significance for Hereditary cancer-predisposing syndrome. Last evaluated: 2024-05-04. Review status: criteria provided, single submitter. Criteria: Ambry Variant Classification Scheme 2023. Collection method: clinical testing. Allele origin: germline.
Comment: The p.K580E variant (also known as c.1738A>G), located in coding exon 6 of the AXIN2 gene, results from an A to G substitution at nucleotide position 1738. The lysine at codon 580 is replaced by glutamic acid, an amino acid with similar properties. This amino acid position is conserved. In addition, this alteration is predicted to be tolerated by in silico analysis. Since supporting evidence is limited at this time, the clinical significance of this alteration remains unclear.

Labcorp Genetics (formerly Invitae), Labcorp
Classification: Uncertain significance for Oligodontia-cancer predisposition syndrome. Last evaluated: 2020-02-13. Review status: criteria provided, single submitter. Criteria: Invitae Variant Classification Sherloc (09022015). Collection method: clinical testing. Allele origin: germline.
Comment: This sequence change replaces lysine with glutamic acid at codon 580 of the AXIN2 protein (p.Lys580Glu). The lysine residue is moderately conserved and there is a small physicochemical difference between lysine and glutamic acid. This variant is not present in population databases (ExAC no frequency). This variant has not been reported in the literature in individuals with AXIN2-related conditions. Algorithms developed to predict the effect of missense changes on protein structure and function are either unavailable or do not agree on the potential impact of this missense change (SIFT: "Deleterious"; PolyPhen-2: "Benign"; Align-GVGD: "Class C0"). In summary, the available evidence is currently insufficient to determine the role of this variant in disease. Therefore, it has been classified as a Variant of Uncertain Significance.

NM_004655.4(AXIN2):c.1738A>G (p.Lys580Glu)

Gene: AXIN2 (axin 2; minus strand). Cytogenetic location: 17q24.1.
Variant type: single nucleotide variant.
Coding change: c.1738A>G on transcript NM_004655.4 (MANE Select); coding-DNA position 1738, A replaced by G.
Protein change: p.Lys580Glu; replaces lysine 580 with glutamic acid.
Molecular consequence: missense variant. On other transcripts: intron variant (1).
Genome position (GRCh38, 1-based): chr17:65,537,038, T>C on the plus strand (A>G on the coding strand, the complement: AXIN2 is on the minus strand). VCF-style: chr17-65537038-T-C. GRCh37 (hg19) VCF-style: chr17-63533156-T-C.
Other names: c.1712+286A>G (NM_001363813.1); short protein forms K580E.
Identifiers: ClinVar variation 1060739 (VCV001060739.12), dbSNP rs79024445, ClinGen allele CA400676715.